The following is an entry in ClinVar:

ClinVar aggregate classification (germline): Uncertain significance. Review status: criteria provided, multiple submitters, no conflicts (2 of 4 stars). 3 submissions from 3 submitters: Uncertain significance (3). Last evaluated 2024-09-10.

Conditions:
Hereditary cancer-predisposing syndrome. Also called: Neoplastic Syndromes, Hereditary; Tumor predisposition; Hereditary Cancer Syndrome; Hereditary neoplastic syndrome. Identifiers: Orphanet 140162, MedGen C0027672, MeSH D009386, MONDO:0015356.
BAP1-related tumor predisposition syndrome (TPDS1). Also called: BAP1 tumor predisposition syndrome; Tumor susceptibility linked to germline BAP1 mutations; TUMOR PREDISPOSITION SYNDROME 1; COMMON Syndrome. Identifiers: Orphanet 289539, MedGen C3280492, MONDO:0013692, OMIM 614327.

gnomAD v4.1: 1 of 1,613,670 alleles (0.000062%); highest among the groups gnomAD compares: Non-Finnish European, 0.000085%; no homozygotes.

Submissions (3):

Labcorp Genetics (formerly Invitae), Labcorp
Classification: Uncertain significance for BAP1-related tumor predisposition syndrome. Last evaluated: 2024-09-10. Review status: criteria provided, single submitter. Criteria: Invitae Variant Classification Sherloc (09022015). Collection method: clinical testing. Allele origin: germline.
Comment: This sequence change replaces alanine, which is neutral and non-polar, with glutamic acid, which is acidic and polar, at codon 574 of the BAP1 protein (p.Ala574Glu). This variant is not present in population databases (gnomAD no frequency). This variant has not been reported in the literature in individuals affected with BAP1-related conditions. ClinVar contains an entry for this variant (Variation ID: 412445). Invitae Evidence Modeling of protein sequence and biophysical properties (such as structural, functional, and spatial information, amino acid conservation, physicochemical variation, residue mobility, and thermodynamic stability) indicates that this missense variant is not expected to disrupt BAP1 protein function with a negative predictive value of 80%. In summary, the available evidence is currently insufficient to determine the role of this variant in disease. Therefore, it has been classified as a Variant of Uncertain Significance.

Color Diagnostics, LLC DBA Color Health
Classification: Uncertain significance for Hereditary cancer-predisposing syndrome. Last evaluated: 2024-06-17. Review status: criteria provided, single submitter. Criteria: ACMG Guidelines, 2015. Collection method: clinical testing. Allele origin: germline.
Comment: This missense variant replaces alanine with glutamic acid at codon 574 of the BAP1 protein. Computational prediction suggests that this variant may not impact protein structure and function (internally defined REVEL score threshold <= 0.5, PMID: 27666373). To our knowledge, functional studies have not been reported for this variant. This variant has not been reported in individuals affected with BAP1-related disorders in the literature. This variant has not been identified in the general population by the Genome Aggregation Database (gnomAD). The available evidence is insufficient to determine the role of this variant in disease conclusively. Therefore, this variant is classified as a Variant of Uncertain Significance.

Ambry Genetics
Classification: Uncertain significance for Hereditary cancer-predisposing syndrome. Last evaluated: 2022-05-15. Review status: criteria provided, single submitter. Criteria: Ambry Variant Classification Scheme 2023. Collection method: clinical testing. Allele origin: germline.
Comment: The p.A574E variant (also known as c.1721C>A), located in coding exon 13 of the BAP1 gene, results from a C to A substitution at nucleotide position 1721. The alanine at codon 574 is replaced by glutamic acid, an amino acid with dissimilar properties. This amino acid position is conserved. In addition, this alteration is predicted to be tolerated by in silico analysis. Since supporting evidence is limited at this time, the clinical significance of this alteration remains unclear.

NM_004656.4(BAP1):c.1721C>A (p.Ala574Glu)

Gene: BAP1 (BRCA1 associated deubiquitinase 1; minus strand). Cytogenetic location: 3p21.1.
Variant type: single nucleotide variant.
Coding change: c.1721C>A on transcript NM_004656.4 (MANE Select); coding-DNA position 1721, C replaced by A.
Protein change: p.Ala574Glu; replaces alanine 574 with glutamic acid.
Molecular consequence: missense variant.
Genome position (GRCh38, 1-based): chr3:52,403,424, G>T on the plus strand (C>A on the coding strand, the complement: BAP1 is on the minus strand). VCF-style: chr3-52403424-G-T. GRCh37 (hg19) VCF-style: chr3-52437440-G-T.
Other names: short protein forms A574E.
Identifiers: ClinVar variation 412445 (VCV000412445.8), dbSNP rs761596789, ClinGen allele CA16611519.
Genomic context (GRCh38, chr3:52,403,424, plus strand): 5'-CCTCCTCCCTCCTGGGTGCACCAAGTGGCCAGTGAGCCAGTCCAAGGCCCACCTGTCAGC[G>T]CCAGGGGACTCAGCACCCCATCCTCAGCCAGGTGCAGCAGGCCTGTGCTGATGACAGGAC-3'
Protein context (NP_004647.1, residues 564-584): LAEDGVLSPL[Ala574Glu]LTEGGKGSSP